The following is an entry in ClinVar:

NC_000020.10:g.(?_31380412)_(31383520_?)dup

Gene: DNMT3B (DNA methyltransferase 3 beta; plus strand). Cytogenetic location: 20q11.21.
Variant type: Duplication.
Identifiers: ClinVar variation 3248263 (VCV003248263.1).

ClinVar aggregate classification (germline): Likely pathogenic (1 of 4 stars; one submission).

Conditions:
Centromeric instability of chromosomes 1,9 and 16 and immunodeficiency (ICF1). Also called: IMMUNE DEFICIENCY, VARIABLE, WITH CENTROMERIC INSTABILITY OF CHROMOSOMES 1, 9, AND 16; IMMUNODEFICIENCY SYNDROME, VARIABLE; Immunodeficiency-centromeric instability-facial anomalies; CENTROMERIC INSTABILITY, IMMUNODEFICIENCY SYNDROME. Identifiers: Orphanet 2268, MedGen C0398788, MONDO:0000133.

Submission:

Labcorp Genetics (formerly Invitae), Labcorp
Classification: Likely pathogenic for Centromeric instability of chromosomes 1,9 and 16 and immunodeficiency. Last evaluated: 2023-09-21. Review status: criteria provided, single submitter. Criteria: Invitae Variant Classification Sherloc (09022015). Collection method: clinical testing. Allele origin: unknown.
Comment: This variant results in a copy number gain of the genomic region encompassing exon(s) 9-12 of the DNMT3B gene. While the exact position of this variant cannot be determined from the data, sub-genic copy number gains are generally in tandem (PMID: 25640679). This variant is predicted to be out-of-frame, and may result in an absent or disrupted protein product. Loss-of-function variants in DNMT3B are known to be pathogenic (PMID: 11102980). This variant has not been reported in the literature in individuals affected with DNMT3B-related conditions. In summary, the currently available evidence indicates that the variant is pathogenic, but additional data are needed to prove that conclusively. Therefore, this variant has been classified as Likely Pathogenic.

Literature cited by the submitters: PubMed 25640679; PubMed 11102980.